The following is an entry in ClinVar:

NM_003079.5(SMARCE1):c.358G>A (p.Glu120Lys)

Gene: SMARCE1 (SWI/SNF related BAF chromatin remodeling complex subunit E1; minus strand). Cytogenetic location: 17q21.2.
Variant type: single nucleotide variant.
Coding change: c.358G>A on transcript NM_003079.5 (MANE Select); coding-DNA position 358, G replaced by A.
Protein change: p.Glu120Lys; replaces glutamic acid 120 with lysine.
Molecular consequence: missense variant.
Genome position (GRCh38, 1-based): chr17:40,636,406, C>T on the plus strand (G>A on the coding strand, the complement: SMARCE1 is on the minus strand). VCF-style: chr17-40636406-C-T. GRCh37 (hg19) VCF-style: chr17-38792658-C-T.
Other names: short protein forms E120K.
Identifiers: ClinVar variation 4530782 (VCV004530782.1).

ClinVar aggregate classification (germline): Pathogenic (1 of 4 stars; one submission).

Submission:

GeneDx
Classification: Pathogenic. Last evaluated: 2025-05-16. Review status: criteria provided, single submitter. Criteria: GeneDx Variant Classification Process June 2021. Collection method: clinical testing. Allele origin: germline. Affected: yes.
Comment: Not observed at significant frequency in large population cohorts (gnomAD); In silico analysis supports that this missense variant has a deleterious effect on protein structure/function; This variant is associated with the following publications: (PMID: 35982159, 23377182, 33057194, 37500730)